The following is an entry in ClinVar:

ClinVar aggregate classification (germline): Pathogenic. Review status: criteria provided, multiple submitters, no conflicts (2 of 4 stars). 7 submissions from 7 submitters: Pathogenic (7). Last evaluated 2025-11-17.

Conditions:
Hereditary cancer-predisposing syndrome. Also called: Tumor predisposition; Hereditary Cancer Syndrome; Hereditary neoplastic syndrome; Neoplastic Syndromes, Hereditary. Identifiers: Orphanet 140162, MedGen C0027672, MeSH D009386, MONDO:0015356.
Hereditary leiomyomatosis and renal cell cancer. Also called: LEIOMYOMA, MULTIPLE CUTANEOUS; Reed syndrome; Multiple cutaneous and uterine leiomyomatosis; Cutaneous leiomyomata with uterine leiomyomata; Leiomyoma, hereditary multiple, of skin; Multiple cutaneous and uterine leiomyomata. Identifiers: Orphanet 523, MedGen C1708350, MONDO:0007888, OMIM 150800, HP:0007437. Disease mechanism: loss of function.
Fumarase deficiency (FMRD). Also called: Fumaric aciduria; Fumarate Hydratase Deficiency. Identifiers: Orphanet 24, MedGen C0342770, MONDO:0011730, OMIM 606812.

Submissions (7):

Labcorp Genetics (formerly Invitae), Labcorp
Classification: Pathogenic. Last evaluated: 2025-11-17. Review status: criteria provided, single submitter. Criteria: Invitae Variant Classification Sherloc (09022015). Collection method: clinical testing. Allele origin: germline.
Comment: This sequence change creates a premature translational stop signal (p.Glu362Glnfs*10) in the FH gene. It is expected to result in an absent or disrupted protein product. Loss-of-function variants in FH are known to be pathogenic (PMID: 11865300, 21398687). This variant is not present in population databases (gnomAD no frequency). This premature translational stop signal has been observed in individual(s) with hereditary leiomyomatosis and renal cell carcinoma (PMID: 14632190, 24441663, 25750977). ClinVar contains an entry for this variant (Variation ID: 214399). For these reasons, this variant has been classified as Pathogenic.

GeneDx
Classification: Pathogenic. Last evaluated: 2024-02-02. Review status: criteria provided, single submitter. Criteria: GeneDx Variant Classification Process June 2021. Collection method: clinical testing. Allele origin: germline. Affected: yes.
Comment: Frameshift variant predicted to result in protein truncation or nonsense mediated decay in a gene for which loss of function is a known mechanism of disease; Not observed at significant frequency in large population cohorts (gnomAD); Observed in multiple unrelated patients with a personal and/or family history of HLRCC-related tumors referred for genetic testing at GeneDx and in published literature (PMID: 29978187, 14632190, 29625052, 24441663, 25750977, 36451132); This variant is associated with the following publications: (PMID: 15663510, 24441663, 25750977, 15761418, 14632173, 14632190, 31444830, 29625052, 29978187, 36451132)

Fulgent Genetics
Classification: Pathogenic for Hereditary leiomyomatosis and renal cell cancer; Fumarase deficiency. Last evaluated: 2023-12-28. Review status: criteria provided, single submitter. Criteria: ACMG Guidelines, 2015. Collection method: clinical testing. Allele origin: germline.

Ambry Genetics
Classification: Pathogenic for Hereditary cancer-predisposing syndrome. Last evaluated: 2023-09-11. Review status: criteria provided, single submitter. Criteria: Ambry Variant Classification Scheme 2023. Collection method: clinical testing. Allele origin: germline.
Comment: The c.1083_1086delTGAA pathogenic mutation, located in coding exon 7 of the FH gene, results from a deletion of 4 nucleotides at nucleotide positions 1083 to 1086, causing a translational frameshift with a predicted alternate stop codon (p.E362Qfs*10). This mutation was previously detected in multiple individuals diagnosed with hereditary leiomyomatosis and renal cell carcinoma (HLRCC) syndrome (Martinez-Mir A et al. J. Invest. Dermatol. 2003 Oct; 121(4):741-4; Chen YB et al. Am. J. Surg. Pathol. 2014 May;38(5):627-37; Nagarajan P et al. Cutis. 2015 February;95(2):E7-E9). In addition to the clinical data presented in the literature, this alteration is expected to result in loss of function by premature protein truncation or nonsense-mediated mRNA decay. As such, this alteration is interpreted as a disease-causing mutation.

Myriad Genetics, Inc.
Classification: Pathogenic for Hereditary leiomyomatosis and renal cell cancer. Last evaluated: 2023-07-06. Review status: criteria provided, single submitter. Criteria: Myriad Autosomal Dominant, Autosomal Recessive and X-Linked Classification Criteria (2023). Collection method: clinical testing. Allele origin: unknown.
Comment: This variant is considered pathogenic. This variant creates a frameshift predicted to result in premature protein truncation.

Baylor Genetics
Classification: Pathogenic for Fumarase deficiency. Last evaluated: 2022-03-28. Review status: criteria provided, single submitter. Criteria: ACMG Guidelines, 2015. Collection method: clinical testing. Allele origin: unknown.

Genomic Diagnostic Laboratory, Division of Genomic Diagnostics, Children's Hospital of Philadelphia
Classification: Pathogenic for Hereditary leiomyomatosis and renal cell cancer. Last evaluated: 2017-01-17. Review status: criteria provided, single submitter. Criteria: DGD Variant Analysis Guidelines. Collection method: clinical testing. Allele origin: germline. Affected: yes. Observed: 1 variant allele.
Comment: Clinical Testing

Literature cited by the submitters: PubMed 11865300 (cited by Labcorp Genetics (formerly Invitae), Labcorp); PubMed 21398687 (cited by Labcorp Genetics (formerly Invitae), Labcorp); PubMed 14632190 (cited by Labcorp Genetics (formerly Invitae), Labcorp and Ambry Genetics); PubMed 24441663 (cited by Labcorp Genetics (formerly Invitae), Labcorp and Ambry Genetics); PubMed 25750977 (cited by Labcorp Genetics (formerly Invitae), Labcorp and Ambry Genetics); PubMed 15663510 (cited by Ambry Genetics); PubMed 15761418 (cited by Ambry Genetics).

NM_000143.4(FH):c.1083_1086del (p.Glu362fs)

Gene: FH (fumarate hydratase; minus strand). Cytogenetic location: 1q43.
Variant type: Deletion.
Coding change: c.1083_1086del on transcript NM_000143.4 (MANE Select); coding-DNA positions 1083 to 1086, 4 bases deleted (TGAA; older notation c.1083_1086delTGAA).
Protein change: p.Glu362fs; shifts the reading frame from glutamic acid 362.
Molecular consequence: frameshift variant.
Genome position (GRCh38, 1-based): chr1:241,504,064-241,504,067, TTCA deleted on the plus strand (TGAA on the coding strand, the reverse complement: FH is on the minus strand); deleting any 4 consecutive bases within chr1:241,504,064-241,504,069 gives the same sequence; the c. name uses the placement nearest the transcript's 3' end. VCF-style (leftmost placement, unchanged base first): chr1-241504063-GTTCA-G. GRCh37 (hg19) VCF-style: chr1-241667363-GTTCA-G.
Other names: c.1083_1086delTGAA (NM_000143.3); short protein forms E362fs.
Identifiers: ClinVar variation 214399 (VCV000214399.21), dbSNP rs756469140, ClinGen allele CA320623.